The following continues an entry in ClinVar:

NM_000535.7(PMS2):c.1532C>T (p.Thr511Met)

Gene: PMS2. ClinVar aggregate classification (germline): Benign. Benign (1).

Submissions 22 to 30 of 30:

Institute for Biomarker Research, Medical Diagnostic Laboratories, L.L.C.
Classification: Benign for Hereditary cancer-predisposing syndrome. Last evaluated: 2021-09-27. Review status: no assertion criteria provided. Collection method: clinical testing. Allele origin: germline. Not counted in ClinVar's aggregate classification.

True Health Diagnostics
Classification: Benign for Hereditary cancer-predisposing syndrome. Last evaluated: 2018-01-12. Review status: no assertion criteria provided. Collection method: clinical testing. Allele origin: germline. Not counted in ClinVar's aggregate classification.

Genome Diagnostics Laboratory, Amsterdam University Medical Center
Classification: Benign for Lynch syndrome 4. Last evaluated: 2017-06-05. Review status: no assertion criteria provided. Criteria: ACGS Guidelines, 2013. Collection method: clinical testing. Allele origin: germline. Affected: yes. Study: VKGL Data-share Consensus. Not counted in ClinVar's aggregate classification.

ITMI
No classification provided. Condition: AllHighlyPenetrant. Last evaluated: 2013-09-19. Review status: no classification provided. Collection method: reference population. Allele origin: germline. Not counted in ClinVar's aggregate classification.
Comment: Please see associated publication for description of ethnicities

Biesecker Lab/Clinical Genomics Section, National Institutes of Health
Classification: Uncertain significance. Last evaluated: 2012-07-13. Review status: no assertion criteria provided. Collection method: research. Allele origin: germline. Affected: no. Observed: 4 variant alleles. Study: ClinSeq. Not counted in ClinVar's aggregate classification.
ClinVar note: Converted during submission from variant of unknown significance to Uncertain significance.

Clinical Genetics, Academic Medical Center
Classification: Benign. Review status: no assertion criteria provided. Collection method: clinical testing. Allele origin: germline. Affected: yes. Study: VKGL Data-share Consensus. Not counted in ClinVar's aggregate classification.

Department of Pathology and Laboratory Medicine, Sinai Health System
Classification: Benign for Malignant tumor of breast. Review status: no assertion criteria provided. Collection method: clinical testing. Allele origin: unknown. Affected: yes. Study: The Canadian Open Genetics Repository (COGR). Not counted in ClinVar's aggregate classification.
Comment: The PMS2 p.Thr511Met variant was identified in the literature however the frequency of this variant in an affected population was not provided. The variant was also identified in dbSNP (ID: rs74902811) as With other allele, ClinVar (classified as benign by InSight, Ambry Genetics, Prevention Genetics, Color Genimics, Invitae; classified as likely benign by Vantary genetics, Illumina), Clinvitae (classified with conflicting interpretations of pathogenicity), MutDB , Insight Colon Cancer Gene Variant Database (2X class1), Insight Hereditary Tumors Database (2X class1), databases. The variant was not identified in Cosmic, Zhejiang Colon Cancer Database, Mismatch Repair Genes Variant Database, databases. The variant was identified in control databases in 2670(84 homozygous) of 277088 chromosomes at a frequency of 0.009636 increasing the likelihood this could be a low frequency benign variant (Genome Aggregation Consortium Feb 27, 2017). The variant was identified in the following populations at a frequency greater than 1%: African in 1930 of 24008 chromosomes (freq: 0.08), EastAsian in 549 of 18862 chromosomes (freq: 0.029). In cell free assay by Drost (2013) the variant not classified as repair deficient and might be pathogenic with reduced penetrance. Tthe variant classified as benign by ACMG-AMP classification for consensus variants (Amendola 2016). The p.Thr511 residue is not conserved in mammals and four out of five computational analyses (PolyPhen-2, SIFT, AlignGVGD, BLOSUM, MutationTaster) do not suggest a high likelihood of impact to the protein; however, this information is not predictive enough to rule out pathogenicity. The variant occurs outside of the splicing consensus sequence and in silico or computational prediction software programs (SpliceSiteFinder, MaxEntScan, NNSPLICE, GeneSplicer, HumanSpliceFinder) do not predict a difference in splicing. In summary, based on the above information this variant meets our laboratory's criteria to be classified as benign.

Joint Genome Diagnostic Labs from Nijmegen and Maastricht, Radboudumc and MUMC+
Classification: Benign. Review status: no assertion criteria provided. Collection method: clinical testing. Allele origin: germline. Affected: yes. Study: VKGL Data-share Consensus. Not counted in ClinVar's aggregate classification.

Laboratory of Diagnostic Genome Analysis, Leiden University Medical Center (LUMC)
Classification: Benign. Review status: no assertion criteria provided. Collection method: clinical testing. Allele origin: germline. Affected: yes. Study: VKGL Data-share Consensus. Not counted in ClinVar's aggregate classification.

Literature cited by the submitters: PubMed 20698049 (cited by Illumina Laboratory Services, Illumina); PubMed 24027009 (cited by Illumina Laboratory Services, Illumina); PubMed 24728327 (cited by ITMI).